The following is an entry in ClinVar:

ClinVar aggregate classification (germline): Uncertain significance. Review status: criteria provided, multiple submitters, no conflicts (2 of 4 stars). 2 submissions from 2 submitters: Uncertain significance (2). Last evaluated 2025-04-06.

Conditions:
Inborn genetic diseases. Identifiers: MedGen C0950123, MeSH D030342.

Allele frequency attached by ClinVar (database versions not stated): TOPMed 0.00004; gnomAD 0.00003; gnomAD exomes 0.00003; ExAC 0.00009; ESP Exome Variant Server 0.00022.
gnomAD v4.1: 42 of 1,550,618 alleles (0.0027%); highest among the groups gnomAD compares: African/African-American, 0.0041%; no homozygotes.

Submissions (2):

Ambry Genetics
Classification: Uncertain significance for Inborn genetic diseases. Last evaluated: 2025-04-06. Review status: criteria provided, single submitter. Criteria: Ambry Variant Classification Scheme 2023. Collection method: clinical testing. Allele origin: germline.

Mayo Clinic Laboratories, Mayo Clinic
Classification: Uncertain significance. Last evaluated: 2023-05-26. Review status: criteria provided, single submitter. Criteria: ACMG Guidelines, 2015. Collection method: clinical testing. Allele origin: germline. Observed: 1 variant allele.
Comment: BP4, PM2

NM_001163809.2(WDR81):c.2822C>T (p.Thr941Met)

Gene: WDR81 (WD repeat domain 81; plus strand). Cytogenetic location: 17p13.3.
Variant type: single nucleotide variant.
Coding change: c.2822C>T on transcript NM_001163809.2 (MANE Select); coding-DNA position 2822, C replaced by T.
Protein change: p.Thr941Met; replaces threonine 941 with methionine.
Molecular consequence: missense variant. On other transcripts: intron variant (3).
Genome position (GRCh38, 1-based): chr17:1,727,781, C>T. VCF-style: chr17-1727781-C-T. GRCh37 (hg19) VCF-style: chr17-1631075-C-T.
Other names: p.Thr941Met; c.-123-209C>T (NM_152348.4); c.59-2599C>T (NM_001163673.2); c.-14-2599C>T (NM_001163811.2); short protein forms T941M.
Identifiers: ClinVar variation 2382143 (VCV002382143.4), dbSNP rs371394335, ClinGen allele CA8273146.